The following is an entry in ClinVar:

ClinVar aggregate classification (germline): Uncertain significance (1 of 4 stars; one submission).

Submission:

Ambry Genetics
Classification: Uncertain significance. Last evaluated: 2026-03-02. Review status: criteria provided, single submitter. Criteria: Ambry Variant Classification Scheme 2023. Collection method: clinical testing. Allele origin: germline.
Comment: The p.V232F variant (also known as c.694G>T), located in coding exon 5 of the ATRIP gene, results from a G to T substitution at nucleotide position 694. The valine at codon 232 is replaced by phenylalanine, an amino acid with highly similar properties. This amino acid position is conserved. In addition, this alteration is predicted to be tolerated by in silico analysis. Based on the available evidence, the clinical significance of this variant remains unclear.

NM_130384.3(ATRIP):c.694G>T (p.Val232Phe)

Genes: ATRIP (ATR interacting protein; plus strand), ATRIP-TREX1 (ATRIP-TREX1 readthrough; plus strand). Cytogenetic location: 3p21.31.
Variant type: single nucleotide variant.
Coding change: c.694G>T on transcript NM_130384.3 (MANE Select); coding-DNA position 694, G replaced by T.
Protein change: p.Val232Phe; replaces valine 232 with phenylalanine.
Molecular consequence: missense variant. On other transcripts: non-coding transcript variant (1).
Genome position (GRCh38, 1-based): chr3:48,457,281, G>T. VCF-style: chr3-48457281-G-T. GRCh37 (hg19) VCF-style: chr3-48498681-G-T.
Other names: c.313G>T, p.Val105Phe (NM_001271022.2); c.415G>T, p.Val139Phe (NM_001271023.2); c.694G>T, p.Val232Phe (NM_032166.4); short protein forms V105F, V232F, V139F.
Identifiers: ClinVar variation 4826274 (VCV004826274.1).